The following is an entry in ClinVar:

NM_025144.4(ALPK1):c.3394C>T (p.Pro1132Ser)

Gene: ALPK1 (alpha kinase 1; plus strand). Cytogenetic location: 4q25.
Variant type: single nucleotide variant.
Coding change: c.3394C>T on transcript NM_025144.4 (MANE Select); coding-DNA position 3394, C replaced by T.
Protein change: p.Pro1132Ser; replaces proline 1132 with serine.
Molecular consequence: missense variant.
Genome position (GRCh38, 1-based): chr4:112,439,728, C>T. VCF-style: chr4-112439728-C-T. GRCh37 (hg19) VCF-style: chr4-113360884-C-T.
Other names: c.3394C>T, p.Pro1132Ser (NM_001102406.2); c.3160C>T, p.Pro1054Ser (NM_001253884.2); short protein forms P1054S, P1132S.
Identifiers: ClinVar variation 3692496 (VCV003692496.2).
Genomic context (GRCh38, chr4:112,439,728, plus strand): 5'-CTCATTGCTATTTTTCAGATTTTAGAGGACAAGACAATAAAGGGATGTATCAGTGTGGAG[C>T]CTTACATACTGGGAGAATTTGTAAAATTGTCAAATAACACGAAAGTGGTGAAAACAGAAT-3'
Protein context (NP_079420.3, residues 1122-1142): KTIKGCISVE[Pro1132Ser]YILGEFVKLS

ClinVar aggregate classification (germline): Uncertain significance (1 of 4 stars; one submission).

gnomAD v4.1: 1 of 1,612,726 alleles (0.000062%); highest among the groups gnomAD compares: African/African-American, 0.0013%; no homozygotes.

Submission:

Labcorp Genetics (formerly Invitae), Labcorp
Classification: Uncertain significance. Last evaluated: 2024-07-01. Review status: criteria provided, single submitter. Criteria: Invitae Variant Classification Sherloc (09022015). Collection method: clinical testing. Allele origin: germline.
Comment: This sequence change replaces proline, which is neutral and non-polar, with serine, which is neutral and polar, at codon 1132 of the ALPK1 protein (p.Pro1132Ser). This variant is present in population databases (no rsID available, gnomAD 0.01%). This variant has not been reported in the literature in individuals affected with ALPK1-related conditions. An algorithm developed to predict the effect of missense changes on protein structure and function (PolyPhen-2) suggests that this variant is likely to be disruptive. In summary, the available evidence is currently insufficient to determine the role of this variant in disease. Therefore, it has been classified as a Variant of Uncertain Significance.